The following is an entry in ClinVar:

NM_001035.3(RYR2):c.12390G>T (p.Gln4130His)

Gene: RYR2 (ryanodine receptor 2; plus strand). Cytogenetic location: 1q43.
Variant type: single nucleotide variant.
Coding change: c.12390G>T on transcript NM_001035.3 (MANE Select); coding-DNA position 12390, G replaced by T.
Protein change: p.Gln4130His; replaces glutamine 4130 with histidine.
Molecular consequence: missense variant.
Genome position (GRCh38, 1-based): chr1:237,784,102, G>T. VCF-style: chr1-237784102-G-T. GRCh37 (hg19) VCF-style: chr1-237947402-G-T.
Other names: short protein forms Q4130H.
Identifiers: ClinVar variation 3436579 (VCV003436579.1).
Genomic context (GRCh38, chr1:237,784,102, plus strand): 5'-CAACGATACCCGACTTCAGACTTTTCTGGAATTAGCAGAGAGCGTCCTGAATTATTTCCA[G>T]CCCTTTCTGGGCCGCATCGAAATCATGGGAAGCGCCAAACGCATCGAGAGGGTCTATTTT-3'
Protein context (NP_001026.2, residues 4120-4140): ELAESVLNYF[Gln4130His]PFLGRIEIMG

ClinVar aggregate classification (germline): Uncertain significance (1 of 4 stars; one submission).

Conditions:
Cardiovascular phenotype. Identifiers: MedGen CN230736.

Submission:

Ambry Genetics
Classification: Uncertain significance for Cardiovascular phenotype. Last evaluated: 2024-10-18. Review status: criteria provided, single submitter. Criteria: Ambry Variant Classification Scheme 2023. Collection method: clinical testing. Allele origin: germline.
Comment: The p.Q4130H variant (also known as c.12390G>T), located in coding exon 90 of the RYR2 gene, results from a G to T substitution at nucleotide position 12390. The glutamine at codon 4130 is replaced by histidine, an amino acid with highly similar properties. This amino acid position is well conserved in available vertebrate species. In addition, the in silico prediction for this alteration is inconclusive. Based on the available evidence, the clinical significance of this variant remains unclear.